The following is an entry in ClinVar:

ClinVar aggregate classification (germline): Uncertain significance (1 of 4 stars; one submission).

gnomAD v4.1: 3 of 1,551,812 alleles (0.00019%); highest among the groups gnomAD compares: Middle Eastern, 0.017%; no homozygotes.

Submission:

Dasa
Classification: Uncertain significance. Last evaluated: 2026-03-04. Review status: criteria provided, single submitter. Criteria: DASA Assertion Criteria. Collection method: clinical testing. Allele origin: germline.
Comment: NM_001384474.1(LOXHD1):c.4223C>A (p.Thr1408Asn) is a missense variant that results in the substitution of threonine with asparagine. This variant is rare in population databases. The currently available literature and clinical evidence are not sufficient to establish a definitive association between this variant and the reported condition. Therefore, this variant is classified as a variant of uncertain significance.

NM_001384474.1(LOXHD1):c.4223C>A (p.Thr1408Asn)

Gene: LOXHD1 (lipoxygenase homology PLAT domains 1; minus strand). Cytogenetic location: 18q21.1.
Variant type: single nucleotide variant.
Coding change: c.4223C>A on transcript NM_001384474.1 (MANE Select); coding-DNA position 4223, C replaced by A.
Protein change: p.Thr1408Asn; replaces threonine 1408 with asparagine.
Molecular consequence: missense variant.
Genome position (GRCh38, 1-based): chr18:46,533,314, G>T on the plus strand (C>A on the coding strand, the complement: LOXHD1 is on the minus strand). VCF-style: chr18-46533314-G-T. GRCh37 (hg19) VCF-style: chr18-44113277-G-T.
Other names: c.890C>A, p.Thr297Asn (NM_001145472.3); c.602C>A, p.Thr201Asn (NM_001308013.2); c.4223C>A, p.Thr1408Asn (NM_144612.7); short protein forms T1408N, T201N, T297N.
Identifiers: ClinVar variation 4883520 (VCV004883520.2).